The following is an entry in ClinVar:

ClinVar aggregate classification (germline): Uncertain significance (1 of 4 stars; one submission).

Conditions:
RYR1-related disorder. Also called: RYR1-related condition; RYR1-related disorders. Identifiers: MedGen CN239331.

gnomAD v4.1: 1 of 1,614,162 alleles (0.000062%); highest among the groups gnomAD compares: Non-Finnish European, 0.000085%; no homozygotes.

Submission:

Labcorp Genetics (formerly Invitae), Labcorp
Classification: Uncertain significance for RYR1-related disorder. Last evaluated: 2024-07-23. Review status: criteria provided, single submitter. Criteria: Invitae Variant Classification Sherloc (09022015). Collection method: clinical testing. Allele origin: germline.
Comment: This sequence change replaces leucine, which is neutral and non-polar, with proline, which is neutral and non-polar, at codon 2686 of the RYR1 protein (p.Leu2686Pro). This variant is not present in population databases (gnomAD no frequency). This variant has not been reported in the literature in individuals affected with RYR1-related conditions. Advanced modeling of protein sequence and biophysical properties (such as structural, functional, and spatial information, amino acid conservation, physicochemical variation, residue mobility, and thermodynamic stability) performed at Invitae indicates that this missense variant is expected to disrupt RYR1 protein function with a positive predictive value of 95%. In summary, the available evidence is currently insufficient to determine the role of this variant in disease. Therefore, it has been classified as a Variant of Uncertain Significance.

NM_000540.3(RYR1):c.8057T>C (p.Leu2686Pro)

Gene: RYR1 (ryanodine receptor 1; plus strand). Cytogenetic location: 19q13.2.
Variant type: single nucleotide variant.
Coding change: c.8057T>C on transcript NM_000540.3 (MANE Select); coding-DNA position 8057, T replaced by C.
Protein change: p.Leu2686Pro; replaces leucine 2686 with proline.
Molecular consequence: missense variant.
Genome position (GRCh38, 1-based): chr19:38,504,350, T>C. VCF-style: chr19-38504350-T-C. GRCh37 (hg19) VCF-style: chr19-38994990-T-C.
Other names: c.8057T>C, p.Leu2686Pro (NM_001042723.2); short protein forms L2686P.
Identifiers: ClinVar variation 3702900 (VCV003702900.2).
Genomic context (GRCh38, chr19:38,504,350, plus strand): 5'-TCACCTCAGAGGAGGAGCTGCACCTCACACGGAAACTCTTCTGGGGCATCTTTGACTCTC[T>C]GGCCCATAAGGTCTGGGCAGCAGGGAGCCCCAAAATGGCCTATGTGGAGGGTTTGGGGCC-3'
Protein context (NP_000531.2, residues 2676-2696): RKLFWGIFDS[Leu2686Pro]AHKKYDPELY